The following is an entry in ClinVar:

ClinVar aggregate classification (germline): Uncertain significance (1 of 4 stars; one submission).

Conditions:
Chédiak-Higashi syndrome (CHS). Also called: Chediak-Higashi Syndrome. Identifiers: Orphanet 167, MedGen C0007965, MONDO:0008963, OMIM 214500.

Submission:

Labcorp Genetics (formerly Invitae), Labcorp
Classification: Uncertain significance for Chédiak-Higashi syndrome. Last evaluated: 2024-10-31. Review status: criteria provided, single submitter. Criteria: Invitae Variant Classification Sherloc (09022015). Collection method: clinical testing. Allele origin: germline.
Comment: This sequence change replaces methionine, which is neutral and non-polar, with isoleucine, which is neutral and non-polar, at codon 2610 of the LYST protein (p.Met2610Ile). This variant is not present in population databases (gnomAD no frequency). This variant has not been reported in the literature in individuals affected with LYST-related conditions. Invitae Evidence Modeling of protein sequence and biophysical properties (such as structural, functional, and spatial information, amino acid conservation, physicochemical variation, residue mobility, and thermodynamic stability) indicates that this missense variant is expected to disrupt LYST protein function with a positive predictive value of 80%. In summary, the available evidence is currently insufficient to determine the role of this variant in disease. Therefore, it has been classified as a Variant of Uncertain Significance.

NM_000081.4(LYST):c.7830G>T (p.Met2610Ile)

Gene: LYST (lysosomal trafficking regulator; minus strand). Cytogenetic location: 1q42.3.
Variant type: single nucleotide variant.
Coding change: c.7830G>T on transcript NM_000081.4 (MANE Select); coding-DNA position 7830, G replaced by T.
Protein change: p.Met2610Ile; replaces methionine 2610 with isoleucine.
Molecular consequence: missense variant.
Genome position (GRCh38, 1-based): chr1:235,746,478, C>A on the plus strand (G>T on the coding strand, the complement: LYST is on the minus strand). VCF-style: chr1-235746478-C-A. GRCh37 (hg19) VCF-style: chr1-235909778-C-A.
Other names: c.7830G>T, p.Met2610Ile (NM_001301365.1); short protein forms M2610I.
Identifiers: ClinVar variation 3662627 (VCV003662627.2).